The following is an entry in ClinVar:

ClinVar aggregate classification (germline): Uncertain significance (1 of 4 stars; one submission).

Conditions:
Muscular dystrophy-dystroglycanopathy type B6 (MDDGB6). Also called: MUSCULAR DYSTROPHY-DYSTROGLYCANOPATHY (CONGENITAL WITH IMPAIRED INTELLECTUAL DEVELOPMENT), TYPE B, 6; MUSCULAR DYSTROPHY, CONGENITAL, LARGE-RELATED; MUSCULAR DYSTROPHY, CONGENITAL, TYPE 1D. Identifiers: MedGen C1837229, MONDO:0012138, OMIM 608840.

Allele frequency attached by ClinVar (database versions not stated): TOPMed below 0.00001; gnomAD 0.00001; ExAC 0.00002; gnomAD exomes 0.00002.
gnomAD v4.1: 25 of 1,614,136 alleles (0.0015%); highest among the groups gnomAD compares: South Asian, 0.0055%; no homozygotes.

Submission:

Labcorp Genetics (formerly Invitae), Labcorp
Classification: Uncertain significance for Muscular dystrophy-dystroglycanopathy type B6. Last evaluated: 2022-07-04. Review status: criteria provided, single submitter. Criteria: Invitae Variant Classification Sherloc (09022015). Collection method: clinical testing. Allele origin: germline.
Comment: This sequence change replaces threonine, which is neutral and polar, with methionine, which is neutral and non-polar, at codon 647 of the LARGE1 protein (p.Thr647Met). This variant is present in population databases (rs370700187, gnomAD 0.006%). This variant has not been reported in the literature in individuals affected with LARGE1-related conditions. Algorithms developed to predict the effect of missense changes on protein structure and function output the following: SIFT: "Tolerated"; PolyPhen-2: "Benign"; Align-GVGD: "Class C0". The methionine amino acid residue is found in multiple mammalian species, which suggests that this missense change does not adversely affect protein function. In summary, the available evidence is currently insufficient to determine the role of this variant in disease. Therefore, it has been classified as a Variant of Uncertain Significance.

NM_133642.5(LARGE1):c.1940C>T (p.Thr647Met)

Gene: LARGE1 (LARGE xylosyl- and glucuronyltransferase 1; minus strand). Cytogenetic location: 22q12.3.
Variant type: single nucleotide variant.
Coding change: c.1940C>T on transcript NM_133642.5 (MANE Select); coding-DNA position 1940, C replaced by T.
Protein change: p.Thr647Met; replaces threonine 647 with methionine.
Molecular consequence: missense variant.
Genome position (GRCh38, 1-based): chr22:33,277,193, G>A on the plus strand (C>T on the coding strand, the complement: LARGE1 is on the minus strand). VCF-style: chr22-33277193-G-A. GRCh37 (hg19) VCF-style: chr22-33673179-G-A.
Other names: c.1940C>T, p.Thr647Met (NM_001362949.2, NM_001362951.2, NM_001362953.2 and 4 more transcripts); c.1793C>T, p.Thr598Met (NM_001378627.1, NM_001378628.1); c.1784C>T, p.Thr595Met (NM_001378629.1); c.1337C>T, p.Thr446Met (NM_001378630.1); c.1034C>T, p.Thr345Met (NM_001378631.1); short protein forms T345M, T595M, T647M, T598M, T446M.
Identifiers: ClinVar variation 2200332 (VCV002200332.1), dbSNP rs370700187, ClinGen allele CA10202601.